The following is an entry in ClinVar:

ClinVar aggregate classification (germline): Benign. Review status: criteria provided, multiple submitters, no conflicts (2 of 4 stars). 4 submissions from 4 submitters: Benign (3). 1 of the submissions does not count toward it. Last evaluated 2018-01-13.

Conditions:
AMPD3-related disorder. Also called: AMPD3-related condition.
Erythrocyte AMP deaminase deficiency. Identifiers: Orphanet 45, MedGen C2752073, OMIM 612874, MONDO:0020734.

Allele frequency attached by ClinVar (database versions not stated): TOPMed 0.32915; gnomAD exomes 0.40566 and 0.41877; ExAC 0.40837; gnomAD 0.32346 and 0.33289; 1000 Genomes Project 0.36741; ESP Exome Variant Server 0.31447; 1000 Genomes Project 30x 0.35556.
gnomAD v4.1: 643,043 of 1,613,926 alleles (40%); highest among the groups gnomAD compares: East Asian, 63%; 133,709 homozygotes.

Submissions (4):

Illumina Laboratory Services, Illumina
Classification: Benign for Erythrocyte AMP deaminase deficiency. Last evaluated: 2018-01-13. Review status: criteria provided, single submitter. Criteria: ICSL Variant Classification Criteria 13 December 2019. Collection method: clinical testing. Allele origin: germline.
Comment: This variant was observed in the ICSL laboratory as part of a predisposition screen in an ostensibly healthy population. It had not been previously curated by ICSL or reported in the Human Gene Mutation Database (HGMD: prior to June 1st, 2018), and was therefore a candidate for classification through an automated scoring system. Utilizing variant allele frequency, disease prevalence and penetrance estimates, and inheritance mode, an automated score was calculated to assess if this variant is too frequent to cause the disease. Based on the score and internal cut-off values, a variant classified as benign is not then subjected to further curation. The score for this variant resulted in a classification of benign for this disease.

Eurofins Ntd Llc (ga)
Classification: Benign. Last evaluated: 2017-11-27. Review status: criteria provided, single submitter. Criteria: EGL Classification Definitions 2015. Collection method: clinical testing. Allele origin: germline. Observed: 1 variant allele, 1 heterozygote.

Breakthrough Genomics
Classification: Benign. Review status: criteria provided, single submitter. Criteria: ACMG Guidelines, 2015. Collection method: not provided. Allele origin: germline. Inheritance: Autosomal recessive inheritance. Affected: yes.

PreventionGenetics, part of Exact Sciences
Classification: Benign for AMPD3-related condition. Last evaluated: 2019-10-18. Review status: no assertion criteria provided. Collection method: clinical testing. Allele origin: germline. Not counted in ClinVar's aggregate classification.
Comment: This variant is classified as benign based on ACMG/AMP sequence variant interpretation guidelines (Richards et al. 2015 PMID: 25741868, with internal and published modifications).

NM_001025389.2(AMPD3):c.1689T>C (p.Tyr563=)

Gene: AMPD3 (adenosine monophosphate deaminase 3; plus strand). Cytogenetic location: 11p15.4.
Variant type: single nucleotide variant.
Coding change: c.1689T>C on transcript NM_001025389.2 (MANE Select); coding-DNA position 1689, T replaced by C.
Protein change: p.Tyr563=; no amino-acid change (tyrosine 563 retained).
Molecular consequence: synonymous variant.
Genome position (GRCh38, 1-based): chr11:10,500,217, T>C. VCF-style: chr11-10500217-T-C. GRCh37 (hg19) VCF-style: chr11-10521764-T-C.
Other names: c.1716T>C, p.Tyr572= (NM_000480.3); c.1710T>C, p.Tyr570= (NM_001025390.2); c.1689T>C, p.Tyr563= (NM_001172430.1); c.1212T>C, p.Tyr404= (NM_001172431.2).
Identifiers: ClinVar variation 302175 (VCV000302175.12), dbSNP rs3741041, ClinGen allele CA5883111.